The following is an entry in ClinVar:

NM_005732.4(RAD50):c.3106G>A (p.Glu1036Lys)

Gene: RAD50 (RAD50 double strand break repair protein; plus strand). Cytogenetic location: 5q31.1.
Variant type: single nucleotide variant.
Coding change: c.3106G>A on transcript NM_005732.4 (MANE Select); coding-DNA position 3106, G replaced by A.
Protein change: p.Glu1036Lys; replaces glutamic acid 1036 with lysine.
Molecular consequence: missense variant.
Genome position (GRCh38, 1-based): chr5:132,616,072, G>A. VCF-style: chr5-132616072-G-A. GRCh37 (hg19) VCF-style: chr5-131951764-G-A.
Other names: short protein forms E1036K.
Identifiers: ClinVar variation 1005178 (VCV001005178.9), dbSNP rs1751169699, ClinGen allele CA360963657.

ClinVar aggregate classification (germline): Uncertain significance (1 of 4 stars; one submission).

Conditions:
Hereditary cancer-predisposing syndrome. Also called: Hereditary neoplastic syndrome; Neoplastic Syndromes, Hereditary; Tumor predisposition; Hereditary Cancer Syndrome. Identifiers: Orphanet 140162, MedGen C0027672, MeSH D009386, MONDO:0015356.

Submission:

Labcorp Genetics (formerly Invitae), Labcorp
Classification: Uncertain significance for Hereditary cancer-predisposing syndrome. Last evaluated: 2020-03-04. Review status: criteria provided, single submitter. Criteria: Invitae Variant Classification Sherloc (09022015). Collection method: clinical testing. Allele origin: germline.
Comment: This sequence change replaces glutamic acid with lysine at codon 1036 of the RAD50 protein (p.Glu1036Lys). The glutamic acid residue is moderately conserved and there is a small physicochemical difference between glutamic acid and lysine. This variant is not present in population databases (ExAC no frequency). This variant has not been reported in the literature in individuals with RAD50-related conditions. Algorithms developed to predict the effect of missense changes on protein structure and function (SIFT, PolyPhen-2, Align-GVGD) all suggest that this variant is likely to be tolerated, but these predictions have not been confirmed by published functional studies and their clinical significance is uncertain. In summary, the available evidence is currently insufficient to determine the role of this variant in disease. Therefore, it has been classified as a Variant of Uncertain Significance.